The following is an entry in ClinVar:

NM_000254.3(MTR):c.3008-2A>G

Gene: MTR (5-methyltetrahydrofolate-homocysteine methyltransferase; plus strand). Cytogenetic location: 1q43.
Variant type: single nucleotide variant.
Coding change: c.3008-2A>G on transcript NM_000254.3 (MANE Select); the canonical splice acceptor site of the intron before coding-DNA position 3008, A replaced by G.
Molecular consequence: splice acceptor variant.
Genome position (GRCh38, 1-based): chr1:236,891,131, A>G. VCF-style: chr1-236891131-A-G. GRCh37 (hg19) VCF-style: chr1-237054431-A-G.
Other names: c.2855-2A>G (NM_001291939.1); c.2819-2A>G (NM_001410942.1); c.1787-2A>G (NM_001291940.2).
Identifiers: ClinVar variation 2972254 (VCV002972254.4), dbSNP rs1666295144, ClinGen allele CA345386714.
Genomic context (GRCh38, chr1:236,891,131, plus strand): 5'-AGCATTGTTTGATGGTTATTTTTGGCATCTTTAAGTGAATTCTAATTCTGTTTTTCTAAT[A>G]GGTGGAGAGGCCAGGAAGGTCTACGATGATGCCCACAATATGCTGAACACACTGATTAGT-3'

ClinVar aggregate classification (germline): Likely pathogenic (1 of 4 stars; one submission).

Conditions:
Methylcobalamin deficiency type cblG (HMAG). Also called: HOMOCYSTINURIA-MEGALOBLASTIC ANEMIA, cblG COMPLEMENTATION TYPE; Functional methionine synthase deficiency type cblG; HOMOCYSTINURIA-MEGALOBLASTIC ANEMIA DUE TO DEFECT IN COBALAMIN METABOLISM, cblG COMPLEMENTATION TYPE; HOMOCYSTINURIA-MEGALOBLASTIC ANEMIA, cblG TYPE. Identifiers: Orphanet 2170, Orphanet 622, MedGen C1855128, MONDO:0009609, OMIM 250940.

Submissions (2):

Labcorp Genetics (formerly Invitae), Labcorp
Classification: Likely pathogenic for Methylcobalamin deficiency type cblG. Last evaluated: 2023-10-28. Review status: criteria provided, single submitter. Criteria: Invitae Variant Classification Sherloc (09022015). Collection method: clinical testing. Allele origin: germline.
Comment: This sequence change affects an acceptor splice site in intron 28 of the MTR gene. It is expected to disrupt RNA splicing. Variants that disrupt the donor or acceptor splice site typically lead to a loss of protein function (PMID: 16199547), and loss-of-function variants in MTR are known to be pathogenic (PMID: 9683607, 12068375). This variant is not present in population databases (gnomAD no frequency). This variant has not been reported in the literature in individuals affected with MTR-related conditions. Algorithms developed to predict the effect of sequence changes on RNA splicing suggest that this variant may disrupt the consensus splice site. In summary, the currently available evidence indicates that the variant is pathogenic, but additional data are needed to prove that conclusively. Therefore, this variant has been classified as Likely Pathogenic.

Dr. Peter K. Rogan Lab, Western University
No classification provided (evidence only). Condition: Thymoma. Review status: no classification provided. Collection method: in vitro. Allele origin: not applicable. Functional consequence: retained intron. Not counted in ClinVar's aggregate classification.

Literature cited by the submitters: PubMed 16199547 (cited by Labcorp Genetics (formerly Invitae), Labcorp); PubMed 9683607 (cited by Labcorp Genetics (formerly Invitae), Labcorp); PubMed 12068375 (cited by Labcorp Genetics (formerly Invitae), Labcorp).